The following is an entry in ClinVar:

ClinVar aggregate classification (germline): Uncertain significance (1 of 4 stars; one submission).

Conditions:
Congenital contractural arachnodactyly (CCA). Also called: BEALS SYNDROME; Beals-Hecht syndrome; Arthrogryposis, distal, type 9. Identifiers: Orphanet 115, MedGen C0220668, MONDO:0007363, OMIM 121050.

Submission:

Labcorp Genetics (formerly Invitae), Labcorp
Classification: Uncertain significance for Congenital contractural arachnodactyly. Last evaluated: 2020-11-05. Review status: criteria provided, single submitter. Criteria: Invitae Variant Classification Sherloc (09022015). Collection method: clinical testing. Allele origin: germline.
Comment: In summary, the available evidence is currently insufficient to determine the role of this variant in disease. Therefore, it has been classified as a Variant of Uncertain Significance. Algorithms developed to predict the effect of missense changes on protein structure and function are either unavailable or do not agree on the potential impact of this missense change (SIFT: "Deleterious"; PolyPhen-2: "Benign"; Align-GVGD: "Class C0"). This variant has not been reported in the literature in individuals with FBN2-related conditions. This variant is not present in population databases (ExAC no frequency). This sequence change replaces glutamic acid with aspartic acid at codon 1001 of the FBN2 protein (p.Glu1001Asp). The glutamic acid residue is moderately conserved and there is a small physicochemical difference between glutamic acid and aspartic acid.

NM_001999.4(FBN2):c.3003G>C (p.Glu1001Asp)

Genes: FBN2 (fibrillin 2; minus strand), LOC126807501 (BRD4-independent group 4 enhancer GRCh37_chr5:127680731-127681930; plus strand). Cytogenetic location: 5q23.3.
Variant type: single nucleotide variant.
Coding change: c.3003G>C on transcript NM_001999.4 (MANE Select); coding-DNA position 3003, G replaced by C.
Protein change: p.Glu1001Asp; replaces glutamic acid 1001 with aspartic acid.
Molecular consequence: missense variant.
Genome position (GRCh38, 1-based): chr5:128,345,571, C>G on the plus strand (G>C on the coding strand, the complement: FBN2 is on the minus strand). VCF-style: chr5-128345571-C-G. GRCh37 (hg19) VCF-style: chr5-127681263-C-G.
Other names: short protein forms E1001D.
Identifiers: ClinVar variation 1047626 (VCV001047626.9), dbSNP rs1064797312, ClinGen allele CA360764364.
Genomic context (GRCh38, chr5:128,345,571, plus strand): 5'-GCGGAACTTTCCAGGAACGGGGTGGATGCATTCATCTTCATCCCACTTCAAGTAACACTG[C>G]TCCATGCGAATATCTACACCGAGAACGAAATCACAGGGTGAGAATGAGTTGAAACATCCA-3'
Protein context (NP_001990.2, residues 991-1011): TGRVCLDIRM[Glu1001Asp]QCYLKWDEDE